The following is an entry in ClinVar:

NM_000045.4(ARG1):c.425G>A (p.Gly142Glu)

Genes: ARG1 (arginase 1; plus strand), MED23 (mediator complex subunit 23; minus strand). Cytogenetic location: 6q23.2.
Variant type: single nucleotide variant.
Coding change: c.425G>A on transcript NM_000045.4 (MANE Select); coding-DNA position 425, G replaced by A.
Protein change: p.Gly142Glu; replaces glycine 142 with glutamic acid.
Molecular consequence: missense variant. On other transcripts: non-coding transcript variant (1), intron variant (3).
Genome position (GRCh38, 1-based): chr6:131,581,338, G>A. VCF-style: chr6-131581338-G-A. GRCh37 (hg19) VCF-style: chr6-131902478-G-A.
Other names: c.449G>A, p.Gly150Glu (NM_001244438.2); c.306-1722G>A (NM_001369020.1); c.4077+6371C>T (NM_001270521.2); c.4095+6371C>T (NM_015979.4); short protein forms G142E, G150E.
Identifiers: ClinVar variation 556022 (VCV000556022.13), dbSNP rs767219084, ClinGen allele CA3999256.

ClinVar aggregate classification (germline): Pathogenic/Likely pathogenic. Review status: criteria provided, multiple submitters, no conflicts (2 of 4 stars). 4 submissions from 4 submitters: Pathogenic (2); Likely pathogenic (1). 1 of the submissions does not count toward it. Last evaluated 2025-02-24.

Conditions:
Arginase deficiency. Also called: ARGININEMIA; ARG1 DEFICIENCY; Arginase 1 Deficiency. Identifiers: Orphanet 90, MedGen C0268548, MONDO:0008814, OMIM 207800.

Allele frequency attached by ClinVar (database versions not stated): gnomAD exomes 0.00001 and below 0.00001; ExAC 0.00002.
gnomAD v4.1: 2 of 1,613,820 alleles (0.00012%); highest among the groups gnomAD compares: Admixed American, 0.0017%; no homozygotes.

Submissions (4):

Labcorp Genetics (formerly Invitae), Labcorp
Classification: Pathogenic for Arginase deficiency. Last evaluated: 2025-02-24. Review status: criteria provided, single submitter. Criteria: Invitae Variant Classification Sherloc (09022015). Collection method: clinical testing. Allele origin: germline.
Comment: This sequence change replaces glycine, which is neutral and non-polar, with glutamic acid, which is acidic and polar, at codon 142 of the ARG1 protein (p.Gly142Glu). This variant is present in population databases (rs767219084, gnomAD 0.003%). This missense change has been observed in individual(s) with arginase deficiency and/or argininemia (PMID: 19562505; external communication). ClinVar contains an entry for this variant (Variation ID: 556022). Invitae Evidence Modeling of protein sequence and biophysical properties (such as structural, functional, and spatial information, amino acid conservation, physicochemical variation, residue mobility, and thermodynamic stability) indicates that this missense variant is expected to disrupt ARG1 protein function with a positive predictive value of 80%. For these reasons, this variant has been classified as Pathogenic.

Baylor Genetics
Classification: Likely pathogenic for Arginase deficiency. Last evaluated: 2023-11-12. Review status: criteria provided, single submitter. Criteria: ACMG Guidelines, 2015. Collection method: clinical testing. Allele origin: unknown.

3billion
Classification: Pathogenic for Arginase deficiency. Last evaluated: 2023-09-06. Review status: criteria provided, single submitter. Criteria: ACMG Guidelines, 2015. Collection method: clinical testing. Allele origin: germline. Affected: yes.
Comment: The variant is observed at an extremely low frequency in the gnomAD v2.1.1 dataset (total allele frequency: 0.001%). Predicted Consequence/Location: Protein truncation variants are a common disease-causing mechanism. Functional studies provide strong evidence of the variant having a damaging effect on the gene or gene product (PMID: 19562505). In silico tool predictions suggest damaging effect of the variant on gene or gene product [REVEL: 0.78 (>=0.6, sensitivity 0.68 and specificity 0.92); 3Cnet: 0.98 (>=0.6, sensitivity 0.72 and precision 0.9)]. Same nucleotide change resulting in same amino acid change has been previously reported to be associated with ARG1 related disorder (PMID: 19562505).The variant has been reported to be in trans with a pathogenic variant as either compound heterozygous or homozygous in at least one similarly affected unrelated individual (PMID: 19562505). Therefore, this variant is classified as Pathogenic according to the recommendation of ACMG/AMP guideline.

Counsyl
Classification: Uncertain significance for Arginase deficiency. Last evaluated: 2018-01-08. Review status: no assertion criteria provided. Collection method: clinical testing. Allele origin: unknown. Not counted in ClinVar's aggregate classification.

Literature cited by the submitters: PubMed 19562505 (cited by 3 submitters); PubMed 22959135 (cited by Counsyl).